The following is an entry in ClinVar:

NM_002249.6(KCNN3):c.601G>A (p.Ala201Thr)

Gene: KCNN3 (potassium calcium-activated channel subfamily N member 3; minus strand). Cytogenetic location: 1q21.3.
Variant type: single nucleotide variant.
Coding change: c.601G>A on transcript NM_002249.6 (MANE Select); coding-DNA position 601, G replaced by A.
Protein change: p.Ala201Thr; replaces alanine 201 with threonine.
Molecular consequence: missense variant.
Genome position (GRCh38, 1-based): chr1:154,869,364, C>T on the plus strand (G>A on the coding strand, the complement: KCNN3 is on the minus strand). VCF-style: chr1-154869364-C-T. GRCh37 (hg19) VCF-style: chr1-154841840-C-T.
Other names: c.601G>A, p.Ala201Thr (NM_001204087.2); short protein forms A201T.
Identifiers: ClinVar variation 1703064 (VCV001703064.3), dbSNP rs2525028154, ClinGen allele CA342632840.

ClinVar aggregate classification (germline): Uncertain significance (1 of 4 stars; one submission).

Submission:

Greenwood Genetic Center Diagnostic Laboratories, Greenwood Genetic Center
Classification: Uncertain significance. Last evaluated: 2022-05-23. Review status: criteria provided, single submitter. Criteria: ACMG Guidelines, 2015. Collection method: clinical testing. Allele origin: germline. Affected: yes.
Comment: PM2, PP2